The following is an entry in ClinVar:

NM_182641.4(BPTF):c.4720A>C (p.Asn1574His)

Gene: BPTF (bromodomain PHD finger transcription factor; plus strand). Cytogenetic location: 17q24.2.
Variant type: single nucleotide variant.
Coding change: c.4720A>C on transcript NM_182641.4 (MANE Select); coding-DNA position 4720, A replaced by C.
Protein change: p.Asn1574His; replaces asparagine 1574 with histidine.
Molecular consequence: missense variant.
Genome position (GRCh38, 1-based): chr17:67,912,604, A>C. VCF-style: chr17-67912604-A-C. GRCh37 (hg19) VCF-style: chr17-65908720-A-C.
Other names: c.5098A>C, p.Asn1700His (NM_004459.7); c.5098A>C (NM_004459.6); short protein forms N1700H, N1574H.
Identifiers: ClinVar variation 623938 (VCV000623938.44), dbSNP rs1568051483, ClinGen allele CA400730801.

ClinVar aggregate classification (germline): Uncertain significance. Review status: criteria provided, multiple submitters, no conflicts (2 of 4 stars). 2 submissions from 2 submitters: Uncertain significance (2). Last evaluated 2023-12-12.

Submissions (2):

GeneDx
Classification: Uncertain significance. Last evaluated: 2023-12-12. Review status: criteria provided, single submitter. Criteria: GeneDx Variant Classification Process June 2021. Collection method: clinical testing. Allele origin: germline. Affected: yes.
Comment: Not observed at significant frequency in large population cohorts (gnomAD); In silico analysis supports that this missense variant does not alter protein structure/function; Has not been previously published as pathogenic or benign to our knowledge

CeGaT Center for Human Genetics Tuebingen
Classification: Uncertain significance. Last evaluated: 2018-07-01. Review status: criteria provided, single submitter. Criteria: CeGaT Center For Human Genetics Tuebingen Variant Classification Criteria Version 2. Collection method: clinical testing. Allele origin: germline. Affected: yes. Observed: 1 variant allele.